The following is an entry in ClinVar:

ClinVar aggregate classification (germline): Uncertain significance. Review status: criteria provided, multiple submitters, no conflicts (2 of 4 stars). 2 submissions from 2 submitters: Uncertain significance (2). Last evaluated 2024-12-26.

Conditions:
Inborn genetic diseases. Identifiers: MedGen C0950123, MeSH D030342.

Allele frequency attached by ClinVar (database versions not stated): gnomAD exomes below 0.00001; gnomAD 0.00001; TOPMed 0.00001.
gnomAD v4.1: 5 of 1,613,384 alleles (0.00031%); highest among the groups gnomAD compares: East Asian, 0.0045%; no homozygotes.

Submissions (2):

Ambry Genetics
Classification: Uncertain significance for Inborn genetic diseases. Last evaluated: 2024-12-26. Review status: criteria provided, single submitter. Criteria: Ambry Variant Classification Scheme 2023. Collection method: clinical testing. Allele origin: germline.
Comment: The p.A926V variant (also known as c.2777C>T), located in coding exon 1 of the SAMD9L gene, results from a C to T substitution at nucleotide position 2777. The alanine at codon 926 is replaced by valine, an amino acid with similar properties. This amino acid position is conserved. In addition, the in silico prediction for this alteration is inconclusive. Based on the available evidence, the clinical significance of this variant remains unclear.

GeneDx
Classification: Uncertain significance. Last evaluated: 2022-08-24. Review status: criteria provided, single submitter. Criteria: GeneDx Variant Classification Process June 2021. Collection method: clinical testing. Allele origin: germline. Affected: yes.
Comment: Not observed at significant frequency in large population cohorts (gnomAD); In silico analysis supports that this missense variant has a deleterious effect on protein structure/function; Has not been previously published as pathogenic or benign to our knowledge; This variant is associated with the following publications: (PMID: 28545555)

NM_152703.5(SAMD9L):c.2777C>T (p.Ala926Val)

Gene: SAMD9L (sterile alpha motif domain containing 9 like; minus strand). Cytogenetic location: 7q21.2.
Variant type: single nucleotide variant.
Coding change: c.2777C>T on transcript NM_152703.5 (MANE Select); coding-DNA position 2777, C replaced by T.
Protein change: p.Ala926Val; replaces alanine 926 with valine.
Molecular consequence: missense variant.
Genome position (GRCh38, 1-based): chr7:93,133,195, G>A on the plus strand (C>T on the coding strand, the complement: SAMD9L is on the minus strand). VCF-style: chr7-93133195-G-A. GRCh37 (hg19) VCF-style: chr7-92762508-G-A.
Other names: c.2777C>T, p.Ala926Val (NM_001303496.3, NM_001303497.3, NM_001303498.3 and 5 more transcripts); c.2777C>T (NM_152703.2); short protein forms A926V.
Identifiers: ClinVar variation 2430863 (VCV002430863.2), dbSNP rs1225457037, ClinGen allele CA368186423.